The following is an entry in ClinVar:

NM_000135.4(FANCA):c.4132C>T (p.Pro1378Ser)

Genes: FANCA (FA complementation group A; minus strand), ZNF276 (zinc finger protein 276; plus strand). Cytogenetic location: 16q24.3.
Variant type: single nucleotide variant.
Coding change: c.4132C>T on transcript NM_000135.4 (MANE Select); coding-DNA position 4132, C replaced by T.
Protein change: p.Pro1378Ser; replaces proline 1378 with serine.
Molecular consequence: missense variant. On other transcripts: 3 prime UTR variant (2), non-coding transcript variant (4).
Genome position (GRCh38, 1-based): chr16:89,739,168, G>A on the plus strand (C>T on the coding strand, the complement: FANCA is on the minus strand). VCF-style: chr16-89739168-G-A. GRCh37 (hg19) VCF-style: chr16-89805576-G-A.
Other names: c.4132C>T, p.Pro1378Ser (NM_001286167.3); c.*922G>A (NM_001113525.2, NM_152287.4); short protein forms P1378S.
Identifiers: ClinVar variation 836996 (VCV000836996.9), dbSNP rs2062055110, ClinGen allele CA397484320.

ClinVar aggregate classification (germline): Uncertain significance (1 of 4 stars; one submission).

Conditions:
Fanconi anemia (FA). Also called: Fanconi's anemia. Identifiers: Orphanet 84, MedGen C0015625, MeSH D005199, MONDO:0019391.

Submission:

Labcorp Genetics (formerly Invitae), Labcorp
Classification: Uncertain significance for Fanconi anemia. Last evaluated: 2019-02-14. Review status: criteria provided, single submitter. Criteria: Invitae Variant Classification Sherloc (09022015). Collection method: clinical testing. Allele origin: germline.
Comment: This variant has not been reported in the literature in individuals with FANCA-related conditions. In summary, the available evidence is currently insufficient to determine the role of this variant in disease. Therefore, it has been classified as a Variant of Uncertain Significance. Algorithms developed to predict the effect of missense changes on protein structure and function are either unavailable or do not agree on the potential impact of this missense change (SIFT: "Tolerated"; PolyPhen-2: "Possibly Damaging"; Align-GVGD: "Class C0"). This variant is not present in population databases (ExAC no frequency). This sequence change replaces proline with serine at codon 1378 of the FANCA protein (p.Pro1378Ser). The proline residue is weakly conserved and there is a moderate physicochemical difference between proline and serine.